The following is an entry in ClinVar:

ClinVar aggregate classification (germline): Uncertain significance. Review status: criteria provided, multiple submitters, no conflicts (2 of 4 stars). 2 submissions from 2 submitters: Uncertain significance (2). Last evaluated 2025-06-23.

Submissions (2):

GeneDx
Classification: Uncertain significance. Last evaluated: 2025-06-23. Review status: criteria provided, single submitter. Criteria: GeneDx Variant Classification Process June 2021. Collection method: clinical testing. Allele origin: germline. Affected: yes.
Comment: Not observed at significant frequency in large population cohorts (gnomAD); In silico analysis supports that this missense variant has a deleterious effect on protein structure/function; Has not been previously published as pathogenic or benign to our knowledge

Blueprint Genetics
Classification: Uncertain significance. Last evaluated: 2024-04-26. Review status: criteria provided, single submitter. Criteria: ACMG Guidelines, 2015. Collection method: clinical testing. Allele origin: germline.

NM_000214.3(JAG1):c.2540C>T (p.Pro847Leu)

Gene: JAG1 (jagged canonical Notch ligand 1; minus strand). Cytogenetic location: 20p12.2.
Variant type: single nucleotide variant.
Coding change: c.2540C>T on transcript NM_000214.3 (MANE Select); coding-DNA position 2540, C replaced by T.
Protein change: p.Pro847Leu; replaces proline 847 with leucine.
Molecular consequence: missense variant.
Genome position (GRCh38, 1-based): chr20:10,642,520, G>A on the plus strand (C>T on the coding strand, the complement: JAG1 is on the minus strand). VCF-style: chr20-10642520-G-A. GRCh37 (hg19) VCF-style: chr20-10623168-G-A.
Other names: short protein forms P847L.
Identifiers: ClinVar variation 4540280 (VCV004540280.2).
Genomic context (GRCh38, chr20:10,642,520, plus strand): 5'-ATGGGCAGCTGAAGCCTGGCACACATACCTTCCTGGCACTTGGCACCACTGTGCCCTGGA[G>A]GGCAGACACACCGGTAGCCATTGATCTCATCCACACAGGTCGCTCCAAAGGCACAAGGTG-3'
Protein context (NP_000205.1, residues 837-857): DEINGYRCVC[Pro847Leu]PGHSGAKCQE